The following is an entry in ClinVar:

NM_002485.5(NBN):c.1846-13T>A

Genes: NBN (nibrin; minus strand), LOC126860438 (MED14-independent group 3 enhancer GRCh37_chr8:90959982-90961181; plus strand). Cytogenetic location: 8q21.3.
Variant type: single nucleotide variant.
Coding change: c.1846-13T>A on transcript NM_002485.5 (MANE Select); 13 bases into the intron before coding-DNA position 1846, T replaced by A.
Molecular consequence: intron variant.
Genome position (GRCh38, 1-based): chr8:89,947,905, A>T on the plus strand (T>A on the coding strand, the complement: NBN is on the minus strand). VCF-style: chr8-89947905-A-T. GRCh37 (hg19) VCF-style: chr8-90960133-A-T.
Other names: c.1600-13T>A (NM_001024688.3).
Identifiers: ClinVar variation 924610 (VCV000924610.5), dbSNP rs1810272926, ClinGen allele CA913187605.

ClinVar aggregate classification (germline): Conflicting classifications of pathogenicity. Review status: criteria provided, conflicting classifications (1 of 4 stars). 2 submissions from 2 submitters: Uncertain significance (1); Likely benign (1). Last evaluated 2024-02-01.

Conditions:
Hereditary cancer-predisposing syndrome. Also called: Hereditary Cancer Syndrome; Hereditary neoplastic syndrome; Neoplastic Syndromes, Hereditary; Tumor predisposition. Identifiers: Orphanet 140162, MedGen C0027672, MeSH D009386, MONDO:0015356.
Microcephaly, normal intelligence and immunodeficiency (NBS). Also called: Ataxia telangiectasia variant V1; IMMUNODEFICIENCY, MICROCEPHALY, AND CHROMOSOMAL INSTABILITY; SEEMANOVA SYNDROME II; Nijmegen breakage syndrome; Microcephaly with normal intelligence immunodeficiency and lymphoreticular malignancies; Nonsyndromal microcephaly autosomal recessive with normal intelligence. Identifiers: Orphanet 647, MedGen C0398791, MONDO:0009623, OMIM 251260.

Submissions (2):

Labcorp Genetics (formerly Invitae), Labcorp
Classification: Uncertain significance for Microcephaly, normal intelligence and immunodeficiency. Last evaluated: 2024-02-01. Review status: criteria provided, single submitter. Criteria: Invitae Variant Classification Sherloc (09022015). Collection method: clinical testing. Allele origin: germline.
Comment: This sequence change falls in intron 11 of the NBN gene. It does not directly change the encoded amino acid sequence of the NBN protein. This variant is not present in population databases (gnomAD no frequency). This variant has not been reported in the literature in individuals affected with NBN-related conditions. ClinVar contains an entry for this variant (Variation ID: 924610). Algorithms developed to predict the effect of sequence changes on RNA splicing suggest that this variant may disrupt the consensus splice site. In summary, the available evidence is currently insufficient to determine the role of this variant in disease. Therefore, it has been classified as a Variant of Uncertain Significance.

Color Diagnostics, LLC DBA Color Health
Classification: Likely benign for Hereditary cancer-predisposing syndrome. Last evaluated: 2015-04-14. Review status: criteria provided, single submitter. Criteria: ACMG Guidelines, 2015. Collection method: clinical testing. Allele origin: germline.